The following is an entry in ClinVar:

NM_004341.5(CAD):c.2611T>C (p.Phe871Leu)

Genes: CAD (carbamoyl-phosphate synthetase 2, aspartate transcarbamylase, and dihydroorotase; plus strand), LOC126806171 (BRD4-independent group 4 enhancer GRCh37_chr2:27454350-27455549; plus strand). Cytogenetic location: 2p23.3.
Variant type: single nucleotide variant.
Coding change: c.2611T>C on transcript NM_004341.5 (MANE Select); coding-DNA position 2611, T replaced by C.
Protein change: p.Phe871Leu; replaces phenylalanine 871 with leucine.
Molecular consequence: missense variant.
Genome position (GRCh38, 1-based): chr2:27,232,190, T>C. VCF-style: chr2-27232190-T-C. GRCh37 (hg19) VCF-style: chr2-27455058-T-C.
Other names: c.2422T>C, p.Phe808Leu (NM_001306079.2); short protein forms F871L, F808L.
Identifiers: ClinVar variation 1380807 (VCV001380807.8), dbSNP rs2148076490, ClinGen allele CA346212009.

ClinVar aggregate classification (germline): Uncertain significance (1 of 4 stars; one submission).

Submission:

Labcorp Genetics (formerly Invitae), Labcorp
Classification: Uncertain significance. Last evaluated: 2025-02-24. Review status: criteria provided, single submitter. Criteria: Invitae Variant Classification Sherloc (09022015). Collection method: clinical testing. Allele origin: germline.
Comment: This sequence change replaces phenylalanine, which is neutral and non-polar, with leucine, which is neutral and non-polar, at codon 871 of the CAD protein (p.Phe871Leu). This variant is not present in population databases (gnomAD no frequency). This variant has not been reported in the literature in individuals affected with CAD-related conditions. ClinVar contains an entry for this variant (Variation ID: 1380807). Invitae Evidence Modeling of protein sequence and biophysical properties (such as structural, functional, and spatial information, amino acid conservation, physicochemical variation, residue mobility, and thermodynamic stability) has been performed for this missense variant. However, the output from this modeling did not meet the statistical confidence thresholds required to predict the impact of this variant on CAD protein function. In summary, the available evidence is currently insufficient to determine the role of this variant in disease. Therefore, it has been classified as a Variant of Uncertain Significance.